The following is an entry in ClinVar:

NM_003240.5(LEFTY2):c.774C>T (p.Thr258=)

Gene: LEFTY2 (left-right determination factor 2; minus strand). Cytogenetic location: 1q42.12.
Variant type: single nucleotide variant.
Coding change: c.774C>T on transcript NM_003240.5 (MANE Select); coding-DNA position 774, C replaced by T.
Protein change: p.Thr258=; no amino-acid change (threonine 258 retained).
Molecular consequence: synonymous variant.
Genome position (GRCh38, 1-based): chr1:225,937,768, G>A on the plus strand (C>T on the coding strand, the complement: LEFTY2 is on the minus strand). VCF-style: chr1-225937768-G-A. GRCh37 (hg19) VCF-style: chr1-226125468-G-A.
Other names: p.T258T:ACC>ACT; c.672C>T, p.Thr224= (NM_001172425.3).
Identifiers: ClinVar variation 138109 (VCV000138109.21), dbSNP rs149969900, ClinGen allele CA291913.
Genomic context (GRCh38, chr1:225,937,768, plus strand): 5'-GGCCCACTTCATCCCCTGCAGGTCAATGTACATCTCCTGGCGGCAGCAGCGGGTGCCCTC[G>A]GTCATTGGTGCTTCAGGGTCACAGTCGCCCTGAGCTCTGTGTGGGCAAGGAGAGCAGGGT-3'
Protein context (NP_003231.2, residues 248-268): QGDCDPEAPM[Thr258=]EGTRCCRQEM

ClinVar aggregate classification (germline): Benign. Review status: criteria provided, multiple submitters, no conflicts (2 of 4 stars). 6 submissions from 6 submitters: Benign (6). Last evaluated 2026-01-27.

Conditions:
Left-right axis malformations. Identifiers: MedGen C1866091.

Allele frequency attached by ClinVar (database versions not stated): gnomAD exomes 0.00318 and 0.00810; ExAC 0.00945; gnomAD 0.02580 and 0.02758; 1000 Genomes Project 0.02875; 1000 Genomes Project 30x 0.02936; TOPMed 0.02936; ESP Exome Variant Server 0.02992.
gnomAD v4.1: 8,811 of 1,611,442 alleles (0.55%); highest among the groups gnomAD compares: African/African-American, 8.7%; 279 homozygotes.

Submissions (6):

Labcorp Genetics (formerly Invitae), Labcorp
Classification: Benign for Left-right axis malformations. Last evaluated: 2026-01-27. Review status: criteria provided, single submitter. Criteria: Invitae Variant Classification Sherloc (09022015). Collection method: clinical testing. Allele origin: germline.

Illumina Laboratory Services, Illumina
Classification: Benign for Left-right axis malformations. Last evaluated: 2018-01-12. Review status: criteria provided, single submitter. Criteria: ICSL Variant Classification Criteria 13 December 2019. Collection method: clinical testing. Allele origin: germline.
Comment: This variant was observed in the ICSL laboratory as part of a predisposition screen in an ostensibly healthy population. It had not been previously curated by ICSL or reported in the Human Gene Mutation Database (HGMD: prior to June 1st, 2018), and was therefore a candidate for classification through an automated scoring system. Utilizing variant allele frequency, disease prevalence and penetrance estimates, and inheritance mode, an automated score was calculated to assess if this variant is too frequent to cause the disease. Based on the score and internal cut-off values, a variant classified as benign is not then subjected to further curation. The score for this variant resulted in a classification of benign for this disease.

Eurofins Ntd Llc (ga)
Classification: Benign. Last evaluated: 2017-07-14. Review status: criteria provided, single submitter. Criteria: EGL Classification Definitions 2015. Collection method: clinical testing. Allele origin: germline. Observed: 1 variant allele, 1 heterozygote.

GeneDx
Classification: Benign. Last evaluated: 2013-11-04. Review status: criteria provided, single submitter. Criteria: GeneDx Variant Classification (06012015). Collection method: clinical testing. Allele origin: germline. Affected: yes.
Comment: This variant is considered likely benign or benign based on one or more of the following criteria: it is a conservative change, it occurs at a poorly conserved position in the protein, it is predicted to be benign by multiple in silico algorithms, and/or has population frequency not consistent with disease.

Breakthrough Genomics
Classification: Benign. Review status: criteria provided, single submitter. Criteria: ACMG Guidelines, 2015. Collection method: not provided. Allele origin: germline. Inheritance: Unknown mechanism. Affected: yes.

PreventionGenetics, part of Exact Sciences
Classification: Benign. Review status: criteria provided, single submitter. Criteria: ACMG Guidelines, 2015. Collection method: clinical testing. Allele origin: germline.